The following is an entry in ClinVar:

ClinVar aggregate classification (germline): Uncertain significance. Review status: criteria provided, multiple submitters, no conflicts (2 of 4 stars). 2 submissions from 2 submitters: Uncertain significance (2). Last evaluated 2025-09-08.

Conditions:
DICER1-related tumor predisposition. Also called: DICER1-related pleuropulmonary blastoma cancer predisposition syndrome; DICER1 syndrome. Identifiers: Orphanet 284343, MedGen C3839822, MONDO:0100216.
Hereditary cancer-predisposing syndrome. Also called: Hereditary neoplastic syndrome; Hereditary Cancer Syndrome; Neoplastic Syndromes, Hereditary; Tumor predisposition. Identifiers: Orphanet 140162, MedGen C0027672, MeSH D009386, MONDO:0015356.

Submissions (2):

Ambry Genetics
Classification: Uncertain significance for Hereditary cancer-predisposing syndrome. Last evaluated: 2025-09-08. Review status: criteria provided, single submitter. Criteria: Ambry Variant Classification Scheme 2023. Collection method: clinical testing. Allele origin: germline.
Comment: The p.V100I variant (also known as c.298G>A), located in coding exon 2 of the DICER1 gene, results from a G to A substitution at nucleotide position 298. The valine at codon 100 is replaced by isoleucine, an amino acid with highly similar properties. This amino acid position is conserved. In addition, the in silico prediction for this alteration is inconclusive. Based on the available evidence, the clinical significance of this variant remains unclear.

Labcorp Genetics (formerly Invitae), Labcorp
Classification: Uncertain significance for DICER1-related tumor predisposition. Last evaluated: 2021-08-14. Review status: criteria provided, single submitter. Criteria: Invitae Variant Classification Sherloc (09022015). Collection method: clinical testing. Allele origin: germline.
Comment: In summary, the available evidence is currently insufficient to determine the role of this variant in disease. Therefore, it has been classified as a Variant of Uncertain Significance. Algorithms developed to predict the effect of missense changes on protein structure and function are either unavailable or do not agree on the potential impact of this missense change (SIFT: "Tolerated"; PolyPhen-2: "Possibly Damaging"; Align-GVGD: "Class C0"). This variant has not been reported in the literature in individuals affected with DICER1-related conditions. This variant is not present in population databases (ExAC no frequency). This sequence change replaces valine with isoleucine at codon 100 of the DICER1 protein (p.Val100Ile). The valine residue is highly conserved and there is a small physicochemical difference between valine and isoleucine.

NM_177438.3(DICER1):c.298G>A (p.Val100Ile)

Gene: DICER1 (dicer 1, ribonuclease III; minus strand). Cytogenetic location: 14q32.13.
Variant type: single nucleotide variant.
Coding change: c.298G>A on transcript NM_177438.3 (MANE Select); coding-DNA position 298, G replaced by A.
Protein change: p.Val100Ile; replaces valine 100 with isoleucine.
Molecular consequence: missense variant.
Genome position (GRCh38, 1-based): chr14:95,132,524, C>T on the plus strand (G>A on the coding strand, the complement: DICER1 is on the minus strand). VCF-style: chr14-95132524-C-T. GRCh37 (hg19) VCF-style: chr14-95598861-C-T.
Other names: c.298G>A, p.Val100Ile (NM_001195573.1, NM_001271282.3, NM_001291628.2 and 1 more transcripts); c.298G>A (NM_177438.2); short protein forms V100I.
Identifiers: ClinVar variation 1374866 (VCV001374866.8), dbSNP rs2140287208, ClinGen allele CA390889630.